The following is an entry in ClinVar:

NM_001367873.1(SOX6):c.1624-3579T>A

Gene: SOX6 (SRY-box transcription factor 6; minus strand). Cytogenetic location: 11p15.2.
Variant type: single nucleotide variant.
Coding change: c.1624-3579T>A on transcript NM_001367873.1 (MANE Select); 3579 bases into the intron before coding-DNA position 1624, T replaced by A.
Molecular consequence: intron variant.
Genome position (GRCh38, 1-based): chr11:16,018,629, A>T on the plus strand (T>A on the coding strand, the complement: SOX6 is on the minus strand). VCF-style: chr11-16018629-A-T. GRCh37 (hg19) VCF-style: chr11-16040175-A-T.
Other names: c.1501-3579T>A (NM_001367872.1); c.1624-3579T>A (NM_033326.3, NM_001145819.2); c.1543-3579T>A (NM_001145811.2, NM_017508.3).
Identifiers: ClinVar variation 1286591 (VCV001286591.1), dbSNP rs16932455, ClinGen allele CA13516220.

ClinVar aggregate classification (germline): Benign (1 of 4 stars; one submission).

Allele frequency attached by ClinVar (database versions not stated): gnomAD 0.07180 and 0.07469; TOPMed 0.08622; 1000 Genomes Project 30x 0.14881; 1000 Genomes Project 0.15036.
gnomAD v4.1: 11,290 of 152,108 alleles (7.4%); highest among the groups gnomAD compares: East Asian, 35%; 858 homozygotes.

Submission:

GeneDx
Classification: Benign. Last evaluated: 2020-11-02. Review status: criteria provided, single submitter. Criteria: GeneDx Variant Classification Process June 2021. Collection method: clinical testing. Allele origin: germline. Affected: yes.
Comment: This variant is associated with the following publications: (PMID: 29518216)